The following is an entry in ClinVar:

NM_021830.5(TWNK):c.434C>T (p.Ala145Val)

Gene: TWNK (twinkle mtDNA helicase; plus strand). Cytogenetic location: 10q24.31.
Variant type: single nucleotide variant.
Coding change: c.434C>T on transcript NM_021830.5 (MANE Select); coding-DNA position 434, C replaced by T.
Protein change: p.Ala145Val; replaces alanine 145 with valine.
Molecular consequence: missense variant. On other transcripts: non-coding transcript variant (4), intron variant (3).
Genome position (GRCh38, 1-based): chr10:100,988,644, C>T. VCF-style: chr10-100988644-C-T. GRCh37 (hg19) VCF-style: chr10-102748401-C-T.
Other names: p.A145V:GCA>GTA; p.Ala145Val; c.434C>T, p.Ala145Val (NM_001163812.2); c.-119-1000C>T (NM_001163814.2, NM_001163813.2); c.-58+1031C>T (NM_001368275.1); short protein forms A145V.
Identifiers: ClinVar variation 214173 (VCV000214173.33), dbSNP rs143938897, ClinGen allele CA320958.

ClinVar aggregate classification (germline): Conflicting classifications of pathogenicity. Review status: criteria provided, conflicting classifications (1 of 4 stars). 4 submissions from 4 submitters: Uncertain significance (3); Likely benign (1). Last evaluated 2025-08-20.

Allele frequency attached by ClinVar (database versions not stated): gnomAD exomes 0.00001 and 0.00004; ExAC 0.00004; gnomAD 0.00011 and 0.00013; TOPMed 0.00017; ESP Exome Variant Server 0.00031.

Submissions (5):

GeneDx
Classification: Uncertain significance. Last evaluated: 2025-08-20. Review status: criteria provided, single submitter. Criteria: GeneDx Variant Classification Process June 2021. Collection method: clinical testing. Allele origin: germline. Affected: yes.
Comment: Has not been previously published as pathogenic or benign to our knowledge; In silico analysis suggests that this missense variant does not alter protein structure/function

Labcorp Genetics (formerly Invitae), Labcorp
Classification: Likely benign. Last evaluated: 2025-08-18. Review status: criteria provided, single submitter. Criteria: Invitae Variant Classification Sherloc (09022015). Collection method: clinical testing. Allele origin: germline.

CeGaT Center for Human Genetics Tuebingen
Classification: Uncertain significance. Last evaluated: 2023-12-01. Review status: criteria provided, single submitter. Criteria: CeGaT Center For Human Genetics Tuebingen Variant Classification Criteria Version 2. Collection method: clinical testing. Allele origin: germline. Affected: yes. Observed: 1 variant allele.
Comment: TWNK: PM2, PP3

Mayo Clinic Laboratories, Mayo Clinic
Classification: Uncertain significance. Last evaluated: 2021-11-30. Review status: criteria provided, single submitter. Criteria: ACMG Guidelines, 2015. Collection method: clinical testing. Allele origin: germline.

Dr. Peter K. Rogan Lab, Western University
No classification provided (evidence only). Condition: Thymoma. Review status: no classification provided. Collection method: in vitro. Allele origin: not applicable. Functional consequence: retained intron. Not counted in ClinVar's aggregate classification.